The following is an entry in ClinVar:

ClinVar aggregate classification (germline): Uncertain significance (1 of 4 stars; one submission).

gnomAD v4.1: 2 of 1,463,550 alleles (0.00014%); highest among the groups gnomAD compares: Non-Finnish European, 0.00018%; no homozygotes.

Submission:

Women's Health and Genetics/Laboratory Corporation of America, LabCorp
Classification: Uncertain significance. Last evaluated: 2026-03-17. Review status: criteria provided, single submitter. Criteria: LabCorp Variant Classification Summary - May 2015. Collection method: clinical testing. Allele origin: germline.
Comment: Variant summary: NOTCH3 c.4187G>A (p.Arg1396His) results in a non-conservative amino acid change in the encoded protein sequence. Algorithms developed to predict the effect of missense changes on protein structure and function all suggest that this variant is likely to be disruptive. The variant was absent in 75432 control chromosomes. The available data on variant occurrences in the general population are insufficient to allow any conclusion about variant significance. To our knowledge, no occurrence of c.4187G>A in individuals affected with NOTCH3-related conditions and no experimental evidence demonstrating its impact on protein function have been reported. No submitters have cited clinical-significance assessments for this variant to ClinVar. Based on the evidence outlined above, the variant was classified as uncertain significance.

NM_000435.3(NOTCH3):c.4187G>A (p.Arg1396His)

Genes: NOTCH3 (notch receptor 3; minus strand), LOC130063807 (ATAC-STARR-seq lymphoblastoid silent region 10267; plus strand). Cytogenetic location: 19p13.12.
Variant type: single nucleotide variant.
Coding change: c.4187G>A on transcript NM_000435.3 (MANE Select); coding-DNA position 4187, G replaced by A.
Protein change: p.Arg1396His; replaces arginine 1396 with histidine.
Molecular consequence: missense variant.
Genome position (GRCh38, 1-based): chr19:15,177,741, C>T on the plus strand (G>A on the coding strand, the complement: NOTCH3 is on the minus strand). VCF-style: chr19-15177741-C-T. GRCh37 (hg19) VCF-style: chr19-15288552-C-T.
Other names: short protein forms R1396H.
Identifiers: ClinVar variation 4847139 (VCV004847139.1).